The following is an entry in ClinVar:

NM_000152.5(GAA):c.2021A>G (p.His674Arg)

Gene: GAA (alpha glucosidase; plus strand). Cytogenetic location: 17q25.3.
Variant type: single nucleotide variant.
Coding change: c.2021A>G on transcript NM_000152.5 (MANE Select); coding-DNA position 2021, A replaced by G.
Protein change: p.His674Arg; replaces histidine 674 with arginine.
Molecular consequence: missense variant.
Genome position (GRCh38, 1-based): chr17:80,113,008, A>G. VCF-style: chr17-80113008-A-G. GRCh37 (hg19) VCF-style: chr17-78086807-A-G.
Other names: c.2021A>G, p.His674Arg (NM_001079803.3, NM_001079804.3, NM_001406741.1 and 1 more transcripts); short protein forms H674R.
Identifiers: ClinVar variation 4876555 (VCV004876555.1).

ClinVar aggregate classification (germline): Uncertain significance (1 of 4 stars; one submission).

Conditions:
Glycogen storage disease, type II (IOPD). Also called: Pompe Disease; CARDIOMEGALIA GLYCOGENICA DIFFUSA; GLYCOGENOSIS, GENERALIZED, CARDIAC FORM; GSD II; POMPE DISEASE, INFANTILE-ONSET; GLYCOGEN STORAGE DISEASE II, INFANTILE-ONSET. Identifiers: Orphanet 365, MedGen C0017921, MONDO:0009290, OMIM 232300.

Submission:

Genomenon, Inc
Classification: Uncertain significance for Glycogen storage disease, type II. Last evaluated: 2026-07-01. Review status: criteria provided, single submitter. Criteria: Genomenon Sequence Variant Interpretation Standards - Updated. Collection method: curation. Allele origin: germline. Affected: yes.
Comment: GAA p.His674Arg (c.2021A>G) is a missense variant that changes the amino acid at codon 674 from Histidine to Arginine. This variant has been observed in at least one proband with a GAA-related disorder (PMID:40225932). The variant is located in a mutational hotspot and/or important functional domain. It is absent or not present at a significant frequency in gnomAD. In silico models predict that this variant is possibly or probably damaging. In conclusion, we classify GAA p.His674Arg (c.2021A>G) as a variant of uncertain significance.

Literature cited by the submitters: PubMed 40225932.